The following is an entry in ClinVar:

ClinVar aggregate classification (germline): Pathogenic/Likely pathogenic. Review status: criteria provided, multiple submitters, no conflicts (2 of 4 stars). 3 submissions from 3 submitters: Pathogenic (2); Likely pathogenic (1). Last evaluated 2026-03-18.

Conditions:
Short stature and advanced bone age, with or without early-onset osteoarthritis and/or osteochondritis dissecans (SSOAOD). Identifiers: Orphanet 251262, MedGen C3665488, MONDO:0100462, OMIM 165800.
ACAN-related short stature spectrum. Identifiers: MedGen CN379890, MONDO:1060149.

Submissions (3):

Centro Nacional de Genética Medica, Administración Nacional de Laboratorios e Institutos de Salud (ANLIS) “Dr. Carlos G Malbrán”
Classification: Pathogenic for ACAN-related short stature spectrum. Last evaluated: 2026-03-18. Review status: criteria provided, single submitter. Criteria: ACMG Guidelines, 2015. Collection method: clinical testing. Allele origin: germline. Affected: yes. Observed: 2 variant alleles.
Comment: The ACAN variant NC_000015.10(NM_001369268.1):c.7302+1G>A affects a canonical splice donor site in intron 16. Bioinformatic analysis performed with SpliceAI and AutoPVS1 software predicts splicing disruption with potential exon skipping or use of a cryptic splice site which would disrupt the reading frame predicting mARN degradation by nonsense mediated decay (PVS1). Loss-of-function variants causing haploinsufficiency of ACAN are known to be associated with ACAN-related short stature spectrum. The variant is absent in population databases (GnomAD, v4.1; PM2_supp). (Accession: SCV006586826.1, Last updated: Nov 02, 2025). ClinGen Skeletal Disorders Gene Curation Expert Panel has established that there is definitive evidence supporting the relationship between ACAN and autosomal semidominant ACAN-related short stature spectrum (MONDO:1060149)

Centro de Investigaciones Endocrinológicas “Dr. César Bergadá” (CEDIE), Unidad de Investigacion Traslacional (UIT), Hospital de Niños Dr. Ricardo Gutiérrez
Classification: Pathogenic for ACAN-related short stature spectrum. Last evaluated: 2026-03-18. Review status: criteria provided, single submitter. Criteria: Institutional Variant Interpretation Framework ClinVar CEDIE Version 1. Collection method: clinical testing. Allele origin: germline. Affected: yes. Observed: 10 variant alleles.
Comment: The ACAN variant NM_001369268.1:c.7302+1G>A affects a canonical splice donor site in intron 16. Bioinformatic analysis performed with SpliceAI and AutoPVS1 software predicts splicing disruption with potential exon skipping or use of a cryptic splice site which would disrupt the reading frame predicting mARN degradation by nonsense mediated decay (PVS1). Loss-of-function variants causing haploinsufficiency of ACAN are known to be associated with ACAN-related short stature spectrum. The variant is absent in population databases (GnomAD, v4.1; PM2_supp). (Accession: SCV006586826.1, Last updated: Nov 02, 2025). ClinGen Skeletal Disorders Gene Curation Expert Panel has established that there is definitive evidence supporting the relationship between ACAN and autosomal semidominant ACAN-related short stature spectrum (MONDO:1060149). We found this heterozygous ACAN variant NM_001369268.1:c.7302+1G>A in 10 individuals from 3 unrelated families. Affected family members consistently share disproportionate short stature phenotype. The following characteristics were less consistently described for some individuals: being born short for gestational age, having advanced bone age and adult-onset joint pain. The same heterozygous variant was also detected in 2 additional unrelated individuals (mother and daughter) with disproportionate short stature studied at another Argentinian institution (Centro Nacional de Genética Médica, Administración Nacional de Laboratorios e Institutos de Salud (ANLIS) “Dr. Carlos G Malbrán”, personal communication, Organization ID: 506261, submission: SUB16073627) (12 individuals, PS4). In summary, the available evidence supports the classification of this variant as Pathogenic (PM2_supporting, PVS1, PS4) according to ACMG criteria and the recommendations of the ClinGen Sequence Variant Interpretation Working Group (SVI WG).

Laboratorio de Biologia Molecular/Medicina Genomica - IFF/Fiocruz, Instituto Fernandes Figueira, Fundacao Oswaldo Cruz
Classification: Likely pathogenic for Short stature and advanced bone age, with or without early-onset osteoarthritis and/or osteochondritis dissecans. Last evaluated: 2025-07-04. Review status: criteria provided, single submitter. Criteria: ACMG Guidelines, 2015. Collection method: clinical testing. Allele origin: germline. Affected: yes. Observed: 1 variant allele.
Comment: Variant: c.7302+1G>A in intron 16 of the ACAN gene. Protein effect: Predicted to disrupt mRNA processing due to loss of the splice donor site (spliceAI score: 1). Population/literature data: Absent in population databases (gnomAD) and not previously reported in the literature. ACMG/AMP criteria applied: PVS1, PM2_Supporting, following ClinGen SVI recommendations.

NM_001369268.1(ACAN):c.7302+1G>A

Gene: ACAN (aggrecan; plus strand). Cytogenetic location: 15q26.1.
Variant type: single nucleotide variant.
Coding change: c.7302+1G>A on transcript NM_001369268.1 (MANE Select); the canonical splice donor site of the intron after coding-DNA position 7302, G replaced by A.
Molecular consequence: splice donor variant.
Genome position (GRCh38, 1-based): chr15:88,872,086, G>A. VCF-style: chr15-88872086-G-A. GRCh37 (hg19) VCF-style: chr15-89415317-G-A.
Other names: c.7188+1G>A (NM_013227.4, NM_001411097.1); c.7074+1G>A (NM_001411096.1, NM_001135.4).
Identifiers: ClinVar variation 4294352 (VCV004294352.3).
Genomic context (GRCh38, chr15:88,872,086, plus strand): 5'-ATCGGCCTGAACGACAGGACCATCGAAGGGGACTTCCGCTGGTCAGATGGACACCCCATG[G>A]TGAGTTCTGCTGTAGGCACAGCTGGTGGCCCAGGGGACAGGGAGTGGGATAGAGACCCCT-3'